The following is an entry in ClinVar:

NM_032040.5(CCDC8):c.1094A>C (p.Asp365Ala)

Gene: CCDC8 (coiled-coil domain containing 8 subunit of 3M complex; minus strand). Cytogenetic location: 19q13.32.
Variant type: single nucleotide variant.
Coding change: c.1094A>C on transcript NM_032040.5 (MANE Select); coding-DNA position 1094, A replaced by C.
Protein change: p.Asp365Ala; replaces aspartic acid 365 with alanine.
Molecular consequence: missense variant.
Genome position (GRCh38, 1-based): chr19:46,411,717, T>G on the plus strand (A>C on the coding strand, the complement: CCDC8 is on the minus strand). VCF-style: chr19-46411717-T-G. GRCh37 (hg19) VCF-style: chr19-46914974-T-G.
Other names: short protein forms D365A.
Identifiers: ClinVar variation 1420267 (VCV001420267.9), dbSNP rs141966158, ClinGen allele CA9528545.

ClinVar aggregate classification (germline): Uncertain significance. Review status: criteria provided, multiple submitters, no conflicts (2 of 4 stars). 3 submissions from 3 submitters: Uncertain significance (3). Last evaluated 2026-05-13.

Conditions:
3M syndrome 3. Also called: THREE M SYNDROME 3; 3-M Syndrome, CCDC8-Related. Identifiers: Orphanet 2616, MedGen C3280146, MONDO:0013627, OMIM 614205.

Allele frequency attached by ClinVar (database versions not stated): gnomAD exomes 0.00008; 1000 Genomes Project 0.00180; gnomAD 0.00009 and 0.00001; ExAC 0.00012.

Submissions (3):

Women's Health and Genetics/Laboratory Corporation of America, LabCorp
Classification: Uncertain significance. Last evaluated: 2026-05-13. Review status: criteria provided, single submitter. Criteria: LabCorp Variant Classification Summary - May 2015. Collection method: clinical testing. Allele origin: germline.

Labcorp Genetics (formerly Invitae), Labcorp
Classification: Uncertain significance. Last evaluated: 2024-02-23. Review status: criteria provided, single submitter. Criteria: Invitae Variant Classification Sherloc (09022015). Collection method: clinical testing. Allele origin: germline.
Comment: This sequence change replaces aspartic acid, which is acidic and polar, with alanine, which is neutral and non-polar, at codon 365 of the CCDC8 protein (p.Asp365Ala). This variant is present in population databases (rs141966158, gnomAD 0.08%). This variant has not been reported in the literature in individuals affected with CCDC8-related conditions. ClinVar contains an entry for this variant (Variation ID: 1420267). Algorithms developed to predict the effect of missense changes on protein structure and function output the following: SIFT: "Not Available"; PolyPhen-2: "Benign"; Align-GVGD: "Not Available". The alanine amino acid residue is found in multiple mammalian species, which suggests that this missense change does not adversely affect protein function. In summary, the available evidence is currently insufficient to determine the role of this variant in disease. Therefore, it has been classified as a Variant of Uncertain Significance.

Fulgent Genetics
Classification: Uncertain significance for 3M syndrome 3. Last evaluated: 2022-03-11. Review status: criteria provided, single submitter. Criteria: ACMG Guidelines, 2015. Collection method: clinical testing. Allele origin: unknown.